The following is an entry in ClinVar:

ClinVar aggregate classification (germline): Uncertain significance (1 of 4 stars; one submission).

Conditions:
SIM1-related disorder. Also called: SIM1-related disorders; SIM1-related condition.

gnomAD v4.1: 8 of 1,613,844 alleles (0.0005%); highest among the groups gnomAD compares: Non-Finnish European, 0.00068%; no homozygotes.

Submission:

PreventionGenetics, part of Exact Sciences
Classification: Uncertain significance for SIM1-related condition. Last evaluated: 2025-08-06. Review status: criteria provided, single submitter. Criteria: ACMG Guidelines, 2015. Collection method: clinical testing. Allele origin: germline.
Comment: The SIM1 c.599C>T variant is predicted to result in the amino acid substitution p.Pro200Leu. To our knowledge, this variant has not been reported in the literature. This variant is reported in 0.00088% of alleles in individuals of European (Non-Finnish) descent in gnomAD. At this time, the clinical significance of this variant is uncertain due to the absence of conclusive functional and genetic evidence.

NM_005068.3(SIM1):c.599C>T (p.Pro200Leu)

Gene: SIM1 (SIM bHLH transcription factor 1; minus strand). Cytogenetic location: 6q16.3.
Variant type: single nucleotide variant.
Coding change: c.599C>T on transcript NM_005068.3 (MANE Select); coding-DNA position 599, C replaced by T.
Protein change: p.Pro200Leu; replaces proline 200 with leucine.
Molecular consequence: missense variant.
Genome position (GRCh38, 1-based): chr6:100,448,623, G>A on the plus strand (C>T on the coding strand, the complement: SIM1 is on the minus strand). VCF-style: chr6-100448623-G-A. GRCh37 (hg19) VCF-style: chr6-100896499-G-A.
Other names: c.599C>T, p.Pro200Leu (NM_001374769.1); short protein forms P200L.
Identifiers: ClinVar variation 4986198 (VCV004986198.1).
Genomic context (GRCh38, chr6:100,448,623, plus strand): 5'-CTGGGAGGCAGCGAGTGGCCCACGGCCACCAGGCCCACGTTTTGGTAGCAGCCGTCGAAG[G>A]GGGACATGTCCAGGCTGTACTGGCGGATCTTCAAGTAGCCGCTGCAGTGGATGACCTGAG-3'
Protein context (NP_005059.2, residues 190-210): KIRQYSLDMS[Pro200Leu]FDGCYQNVGL